The following is an entry in ClinVar:

NM_144672.4(OTOA):c.2207+3G>C

Gene: OTOA (otoancorin). Cytogenetic location: 16p12.2.
Variant type: single nucleotide variant.
Coding change: c.2207+3G>C on transcript NM_144672.4 (MANE Select); 3 bases into the intron after coding-DNA position 2207, G replaced by C.
Molecular consequence: intron variant.
Genome position (GRCh38, 1-based): chr16:21,728,434, G>C. VCF-style: chr16-21728434-G-C. GRCh37 (hg19) VCF-style: chr16-21739755-G-C.
Other names: c.1970+3G>C (NM_001161683.2); c.1235+3G>C (NM_170664.3).
Identifiers: ClinVar variation 2803839 (VCV002803839.3), dbSNP rs775834620, ClinGen allele CA2739266638.

ClinVar aggregate classification (germline): Uncertain significance (1 of 4 stars; one submission).

Submission:

Labcorp Genetics (formerly Invitae), Labcorp
Classification: Uncertain significance. Last evaluated: 2024-01-20. Review status: criteria provided, single submitter. Criteria: Invitae Variant Classification Sherloc (09022015). Collection method: clinical testing. Allele origin: germline.
Comment: This sequence change falls in intron 19 of the OTOA gene. It does not directly change the encoded amino acid sequence of the OTOA protein. It affects a nucleotide within the consensus splice site. This variant is not present in population databases (gnomAD no frequency). This variant has not been reported in the literature in individuals affected with OTOA-related conditions. Variants that disrupt the consensus splice site are a relatively common cause of aberrant splicing (PMID: 17576681, 9536098). Algorithms developed to predict the effect of sequence changes on RNA splicing suggest that this variant may disrupt the consensus splice site. In summary, the available evidence is currently insufficient to determine the role of this variant in disease. Therefore, it has been classified as a Variant of Uncertain Significance.

Literature cited by the submitters: PubMed 17576681; PubMed 9536098.